The following is an entry in ClinVar:

ClinVar aggregate classification (germline): Likely pathogenic. Review status: criteria provided, multiple submitters, no conflicts (2 of 4 stars). 3 submissions from 3 submitters: Likely pathogenic (3). Last evaluated 2025-06-16.

Conditions:
ACAT1-related disorder. Also called: ACAT1-related condition.
Deficiency of acetyl-CoA acetyltransferase. Also called: 3-KETOTHIOLASE DEFICIENCY; 3-OXOTHIOLASE DEFICIENCY; MITOCHONDRIAL ACETOACETYL-CoA THIOLASE DEFICIENCY; Beta-ketothiolase deficiency. Identifiers: Orphanet 134, MedGen C1536500, MONDO:0008760, OMIM 203750. Disease mechanism: loss of function.

gnomAD v4.1: 24 of 1,614,154 alleles (0.0015%); highest among the groups gnomAD compares: Non-Finnish European, 0.0019%; no homozygotes.

Submissions (3):

Natera, Inc.
Classification: Likely pathogenic for Alpha-methylacetoacetic aciduria. Last evaluated: 2025-06-16. Review status: criteria provided, single submitter. Criteria: Natera Variant Classification Schema (03/2026). Collection method: clinical testing. Allele origin: germline.
Comment: The c.481T>C variant in ACAT1 is a missense variant predicted to cause substitution of tyrosine to histidine at amino acid 161. This variant is rare in the general population with a frequency below the threshold expected for the associated phenotype(s). This variant has been observed in one or more individuals affected with the associated recessive disease, as either homozygous or compound heterozygous with a second variant (PMID: 38853254). Functional studies show that this variant may disrupt protein function (PMID: 39505524). Computational prediction algorithms indicate this variant is likely to affect gene or protein function. Given the available evidence, this variant is classified as Likely Pathogenic.

3billion
Classification: Likely pathogenic for Deficiency of acetyl-CoA acetyltransferase. Last evaluated: 2025-03-21. Review status: criteria provided, single submitter. Criteria: ACMG Guidelines, 2015. Collection method: clinical testing. Allele origin: germline. Affected: yes.

Blueprint Genetics
Classification: Likely pathogenic for ACAT1-related disorders. Last evaluated: 2020-02-21. Review status: criteria provided, single submitter. Criteria: ACMG Guidelines, 2015. Collection method: clinical testing. Allele origin: germline. Affected: yes. Observed: 2 variant alleles.

Literature cited by the submitters: PubMed 38853254 (cited by Natera, Inc.); PubMed 39505524 (cited by Natera, Inc.); PubMed 34001203 (cited by 3billion).

NM_000019.4(ACAT1):c.481T>C (p.Tyr161His)

Gene: ACAT1 (acetyl-CoA acetyltransferase 1; plus strand). Cytogenetic location: 11q22.3.
Variant type: single nucleotide variant.
Coding change: c.481T>C on transcript NM_000019.4 (MANE Select); coding-DNA position 481, T replaced by C.
Protein change: p.Tyr161His; replaces tyrosine 161 with histidine.
Molecular consequence: missense variant. On other transcripts: non-coding transcript variant (2).
Genome position (GRCh38, 1-based): chr11:108,138,943, T>C. VCF-style: chr11-108138943-T-C. GRCh37 (hg19) VCF-style: chr11-108009670-T-C.
Other names: c.481T>C (NM_000019.3); c.481T>C, p.Tyr161His (NM_001386677.1); c.166T>C, p.Tyr56His (NM_001386678.1); c.184T>C, p.Tyr62His (NM_001386679.1); c.211T>C, p.Tyr71His (NM_001386681.1, NM_001386682.1, NM_001386685.1 and 6 more transcripts); short protein forms Y161H, Y56H, Y62H, Y71H.
Identifiers: ClinVar variation 4293567 (VCV004293567.3).
Genomic context (GRCh38, chr11:108,138,943, plus strand): 5'-GGTGTTTCTGCGCAGGATGTGATGGTGGCAGGTGGGATGGAGAGCATGTCCAATGTTCCA[T>C]ATGTAATGAACAGAGGATCAACACCATATGGTGGGGTAAAGCTTGAAGATTTGATTGTAA-3'
Protein context (NP_000010.1, residues 151-171): GGMESMSNVP[Tyr161His]VMNRGSTPYG